The following is an entry in ClinVar:

ClinVar aggregate classification (germline): Pathogenic (1 of 4 stars; one submission).

Submission:

Labcorp Genetics (formerly Invitae), Labcorp
Classification: Pathogenic. Last evaluated: 2023-06-28. Review status: criteria provided, single submitter. Criteria: Invitae Variant Classification Sherloc (09022015). Collection method: clinical testing. Allele origin: germline.
Comment: This variant has not been reported in the literature in individuals affected with LPL-related conditions. This variant is not present in population databases (gnomAD no frequency). This sequence change creates a premature translational stop signal (p.Leu43Profs*5) in the LPL gene. It is expected to result in an absent or disrupted protein product. Loss-of-function variants in LPL are known to be pathogenic (PMID: 11334614). For these reasons, this variant has been classified as Pathogenic.

Literature cited by the submitters: PubMed 11334614.

NM_000237.3(LPL):c.127dup (p.Leu43fs)

Gene: LPL (lipoprotein lipase; plus strand). Cytogenetic location: 8p21.3.
Variant type: Duplication.
Coding change: c.127dup on transcript NM_000237.3 (MANE Select); coding-DNA position 127, one base duplicated (C; older notation c.127dupC).
Protein change: p.Leu43fs; shifts the reading frame from leucine 43.
Molecular consequence: frameshift variant.
Genome position (GRCh38, 1-based): chr8:19,948,218, C duplicated; the last of 3 consecutive C bases (chr8:19,948,216-19,948,218); duplicating any one gives the same sequence. VCF-style (leftmost placement, unchanged base first): chr8-19948215-G-GC. GRCh37 (hg19) VCF-style: chr8-19805726-G-GC.
Other names: short protein forms L43fs.
Identifiers: ClinVar variation 2793081 (VCV002793081.3), dbSNP rs2540099804, ClinGen allele CA2739279729.